The following is an entry in ClinVar:

ClinVar aggregate classification (germline): Uncertain significance. Review status: criteria provided, multiple submitters, no conflicts (2 of 4 stars). 3 submissions from 3 submitters: Uncertain significance (3). Last evaluated 2024-06-05.

Conditions:
Autosomal recessive severe congenital neutropenia due to CSF3R deficiency. Also called: Neutropenia, severe congenital, 7, autosomal recessive. Identifiers: Orphanet 420702, MedGen C4310764, MONDO:0014865, OMIM 617014.

Allele frequency attached by ClinVar (database versions not stated): gnomAD 0.00004 and 0.00007; TOPMed 0.00005; ESP Exome Variant Server 0.00008; gnomAD exomes 0.00012; ExAC 0.00014.
gnomAD v4.1: 121 of 1,613,996 alleles (0.0075%); highest among the groups gnomAD compares: South Asian, 0.09%; 1 homozygote.

Submissions (3):

Blueprint Genetics
Classification: Uncertain significance. Last evaluated: 2024-06-05. Review status: criteria provided, single submitter. Criteria: ACMG Guidelines, 2015. Collection method: clinical testing. Allele origin: germline.

Labcorp Genetics (formerly Invitae), Labcorp
Classification: Uncertain significance for Autosomal recessive severe congenital neutropenia due to CSF3R deficiency. Last evaluated: 2024-05-01. Review status: criteria provided, single submitter. Criteria: Invitae Variant Classification Sherloc (09022015). Collection method: clinical testing. Allele origin: germline.
Comment: This sequence change replaces serine, which is neutral and polar, with leucine, which is neutral and non-polar, at codon 624 of the CSF3R protein (p.Ser624Leu). This variant is present in population databases (rs144754091, gnomAD 0.09%). This variant has not been reported in the literature in individuals affected with CSF3R-related conditions. ClinVar contains an entry for this variant (Variation ID: 932124). Advanced modeling of protein sequence and biophysical properties (such as structural, functional, and spatial information, amino acid conservation, physicochemical variation, residue mobility, and thermodynamic stability) performed at Invitae indicates that this missense variant is not expected to disrupt CSF3R protein function with a negative predictive value of 80%. In summary, the available evidence is currently insufficient to determine the role of this variant in disease. Therefore, it has been classified as a Variant of Uncertain Significance.

Centre for Mendelian Genomics, University Medical Centre Ljubljana
Classification: Uncertain significance for Autosomal recessive severe congenital neutropenia due to CSF3R deficiency. Last evaluated: 2019-07-05. Review status: criteria provided, single submitter. Criteria: ACMG Guidelines, 2015. Collection method: clinical testing. Allele origin: unknown. Affected: yes.
Comment: This variant was classified as: Uncertain significance. The available evidence on this variant's pathogenicity is insufficient or conflicting. The following ACMG criteria were applied in classifying this variant: BP4.

NM_000760.4(CSF3R):c.1871C>T (p.Ser624Leu)

Gene: CSF3R (colony stimulating factor 3 receptor; minus strand). Cytogenetic location: 1p34.3.
Variant type: single nucleotide variant.
Coding change: c.1871C>T on transcript NM_000760.4 (MANE Select); coding-DNA position 1871, C replaced by T.
Protein change: p.Ser624Leu; replaces serine 624 with leucine.
Molecular consequence: missense variant.
Genome position (GRCh38, 1-based): chr1:36,467,645, G>A on the plus strand (C>T on the coding strand, the complement: CSF3R is on the minus strand). VCF-style: chr1-36467645-G-A. GRCh37 (hg19) VCF-style: chr1-36933246-G-A.
Other names: c.1871C>T, p.Ser624Leu (NM_156039.3, NM_172313.3); short protein forms S624L.
Identifiers: ClinVar variation 932124 (VCV000932124.12), dbSNP rs144754091, ClinGen allele CA769040.